The following is an entry in ClinVar:

NM_001040151.2(SCN3B):c.446C>G (p.Ala149Gly)

Gene: SCN3B (sodium voltage-gated channel beta subunit 3; minus strand). Cytogenetic location: 11q24.1.
Variant type: single nucleotide variant.
Coding change: c.446C>G on transcript NM_001040151.2 (MANE Select); coding-DNA position 446, C replaced by G.
Protein change: p.Ala149Gly; replaces alanine 149 with glycine.
Molecular consequence: missense variant.
Genome position (GRCh38, 1-based): chr11:123,638,324, G>C on the plus strand (C>G on the coding strand, the complement: SCN3B is on the minus strand). VCF-style: chr11-123638324-G-C. GRCh37 (hg19) VCF-style: chr11-123509032-G-C.
Other names: c.446C>G, p.Ala149Gly (NM_018400.4); short protein forms A149G.
Identifiers: ClinVar variation 1056663 (VCV001056663.9), dbSNP rs2137236047, ClinGen allele CA383070424.

ClinVar aggregate classification (germline): Uncertain significance (1 of 4 stars; one submission).

Conditions:
Brugada syndrome 7 (BRGDA7). Identifiers: Orphanet 130, MedGen C2751088, MONDO:0013146, OMIM 613120.

Submission:

Labcorp Genetics (formerly Invitae), Labcorp
Classification: Uncertain significance for Brugada syndrome 7. Last evaluated: 2020-01-14. Review status: criteria provided, single submitter. Criteria: Invitae Variant Classification Sherloc (09022015). Collection method: clinical testing. Allele origin: germline.
Comment: In summary, the available evidence is currently insufficient to determine the role of this variant in disease. Therefore, it has been classified as a Variant of Uncertain Significance. Algorithms developed to predict the effect of sequence changes on RNA splicing suggest that this variant may create or strengthen a splice site, but this prediction has not been confirmed by published transcriptional studies. Algorithms developed to predict the effect of missense changes on protein structure and function are either unavailable or do not agree on the potential impact of this missense change (SIFT: "Deleterious"; PolyPhen-2: "Benign"; Align-GVGD: "Class C55"). This variant has not been reported in the literature in individuals with SCN3B-related conditions. This variant is not present in population databases (ExAC no frequency). This sequence change replaces alanine with glycine at codon 149 of the SCN3B protein (p.Ala149Gly). The alanine residue is highly conserved and there is a small physicochemical difference between alanine and glycine.